The following is an entry in ClinVar:

NM_004100.5(EYA4):c.869A>G (p.Tyr290Cys)

Gene: EYA4 (EYA transcriptional coactivator and phosphatase 4; plus strand). Cytogenetic location: 6q23.2.
Variant type: single nucleotide variant.
Coding change: c.869A>G on transcript NM_004100.5 (MANE Select); coding-DNA position 869, A replaced by G.
Protein change: p.Tyr290Cys; replaces tyrosine 290 with cysteine.
Molecular consequence: missense variant.
Genome position (GRCh38, 1-based): chr6:133,468,630, A>G. VCF-style: chr6-133468630-A-G. GRCh37 (hg19) VCF-style: chr6-133789768-A-G.
Other names: c.707A>G, p.Tyr236Cys (NM_001301012.2, NM_001370459.1); c.869A>G, p.Tyr290Cys (NM_001301013.2, NM_172105.4); c.800A>G, p.Tyr267Cys (NM_001370458.1, NM_172103.4); short protein forms Y236C, Y267C, Y290C.
Identifiers: ClinVar variation 998794 (VCV000998794.8), dbSNP rs1795052577, ClinGen allele CA365703553.

ClinVar aggregate classification (germline): Uncertain significance (1 of 4 stars; one submission).

Conditions:
Dilated cardiomyopathy 1J (CMD1J). Also called: CARDIOMYOPATHY, DILATED, WITH SENSORINEURAL HEARING LOSS, AUTOSOMAL DOMINANT. Identifiers: Orphanet 217622, MedGen C1854368, MONDO:0011541, OMIM 605362.

Allele frequency attached by ClinVar (database versions not stated): gnomAD exomes below 0.00001.
gnomAD v4.1: 1 of 1,612,678 alleles (0.000062%); highest among the groups gnomAD compares: Non-Finnish European, 0.000085%; no homozygotes.

Submission:

Labcorp Genetics (formerly Invitae), Labcorp
Classification: Uncertain significance for Dilated cardiomyopathy 1J. Last evaluated: 2020-07-01. Review status: criteria provided, single submitter. Criteria: Invitae Variant Classification Sherloc (09022015). Collection method: clinical testing. Allele origin: germline.
Comment: In summary, the available evidence is currently insufficient to determine the role of this variant in disease. Therefore, it has been classified as a Variant of Uncertain Significance. Algorithms developed to predict the effect of missense changes on protein structure and function (SIFT, PolyPhen-2, Align-GVGD) all suggest that this variant is likely to be disruptive, but these predictions have not been confirmed by published functional studies and their clinical significance is uncertain. This variant has not been reported in the literature in individuals with EYA4-related conditions. This variant is not present in population databases (ExAC no frequency). This sequence change replaces tyrosine with cysteine at codon 290 of the EYA4 protein (p.Tyr290Cys). The tyrosine residue is highly conserved and there is a large physicochemical difference between tyrosine and cysteine.